The following is an entry in ClinVar:

NM_020717.5(SHROOM4):c.2339G>A (p.Ser780Asn)

Gene: SHROOM4 (shroom family member 4; minus strand). Cytogenetic location: Xp11.22.
Variant type: single nucleotide variant.
Coding change: c.2339G>A on transcript NM_020717.5 (MANE Select); coding-DNA position 2339, G replaced by A.
Protein change: p.Ser780Asn; replaces serine 780 with asparagine.
Molecular consequence: missense variant. On other transcripts: non-coding transcript variant (4).
Genome position (GRCh38, 1-based): chrX:50,633,734, C>T on the plus strand (G>A on the coding strand, the complement: SHROOM4 is on the minus strand). VCF-style: chrX-50633734-C-T. GRCh37 (hg19) VCF-style: chrX-50376734-C-T.
Other names: c.2339G>A (NM_020717.4); short protein forms S780N.
Identifiers: ClinVar variation 3053511 (VCV003053511.3), dbSNP rs371469195, ClinGen allele CA10416139.

ClinVar aggregate classification (germline): Likely benign. Review status: criteria provided, single submitter (1 of 4 stars). 2 submissions from 2 submitters: Likely benign (1). 1 of the submissions does not count toward it. Last evaluated 2021-12-03.

Conditions:
SHROOM4-related disorder. Also called: SHROOM4-related condition.

Allele frequency attached by ClinVar (database versions not stated): gnomAD exomes 0.00002; TOPMed 0.00005; ExAC 0.00008; gnomAD 0.00010.
gnomAD v4.1: 71 of 1,210,565 alleles (0.0059%); highest among the groups gnomAD compares: East Asian, 0.056%; no homozygotes.

Submissions (2):

Department of Pathology and Laboratory Medicine, Sinai Health System
Classification: Likely benign for SHROOM4-related disorder. Last evaluated: 2021-12-03. Review status: criteria provided, single submitter. Criteria: ACMG Guidelines, 2015. Collection method: research. Allele origin: germline.

PreventionGenetics, part of Exact Sciences
Classification: Likely benign for SHROOM4-related condition. Last evaluated: 2019-10-21. Review status: no assertion criteria provided. Collection method: clinical testing. Allele origin: germline. Not counted in ClinVar's aggregate classification.
Comment: This variant is classified as likely benign based on ACMG/AMP sequence variant interpretation guidelines (Richards et al. 2015 PMID: 25741868, with internal and published modifications).